The following is an entry in ClinVar:

ClinVar aggregate classification (germline): Likely benign (1 of 4 stars; one submission).

Submission:

CeGaT Center for Human Genetics Tuebingen
Classification: Likely benign. Last evaluated: 2025-11-01. Review status: criteria provided, single submitter. Criteria: CeGaT Center For Human Genetics Tuebingen Variant Classification Criteria Version 2. Collection method: clinical testing. Allele origin: germline. Affected: yes. Observed: 1 variant allele.
Comment: KLF11: PM2:Supporting, BP4, BP7

NM_003597.5(KLF11):c.1233T>G (p.Leu411=)

Gene: KLF11 (KLF transcription factor 11; plus strand). Cytogenetic location: 2p25.1.
Variant type: single nucleotide variant.
Coding change: c.1233T>G on transcript NM_003597.5 (MANE Select); coding-DNA position 1233, T replaced by G.
Protein change: p.Leu411=; no amino-acid change (leucine 411 retained).
Molecular consequence: synonymous variant.
Genome position (GRCh38, 1-based): chr2:10,048,570, T>G. VCF-style: chr2-10048570-T-G. GRCh37 (hg19) VCF-style: chr2-10188697-T-G.
Other names: c.1182T>G, p.Leu394= (NM_001177716.2, NM_001177718.2).
Identifiers: ClinVar variation 4535213 (VCV004535213.6).
Genomic context (GRCh38, chr2:10,048,570, plus strand): 5'-GAGGAACTATGTATGCAGCTTCCCAGGTTGCCGGAAGACCTACTTCAAAAGTTCCCACCT[T>G]AAGGCCCATCTTCGCACTCACACAGGTAAGCGCTGGGGCAGGTGGGGCATTGGGCACACC-3'
Protein context (NP_003588.1, residues 401-421): CRKTYFKSSH[Leu411=]KAHLRTHTGE